The following is an entry in ClinVar:

ClinVar aggregate classification (germline): Uncertain significance (1 of 4 stars; one submission).

Submission:

Dasa
Classification: Uncertain significance. Last evaluated: 2026-02-20. Review status: criteria provided, single submitter. Criteria: DASA Assertion Criteria. Collection method: clinical testing. Allele origin: germline.
Comment: NM_004859.4(CLTC):c.4675C>G (p.Gln1559Glu) is a missense variant that results in the substitution of glutamine with glutamic acid. This variant is rare in population databases. Computational prediction algorithms are consistent with a benign effect. The currently available literature and clinical evidence are not sufficient to establish a definitive association between this variant and the reported condition. Therefore, this variant is classified as a variant of uncertain significance.

NM_004859.4(CLTC):c.4675C>G (p.Gln1559Glu)

Gene: CLTC (clathrin heavy chain; plus strand). Cytogenetic location: 17q23.1.
Variant type: single nucleotide variant.
Coding change: c.4675C>G on transcript NM_004859.4 (MANE Select); coding-DNA position 4675, C replaced by G.
Protein change: p.Gln1559Glu; replaces glutamine 1559 with glutamic acid.
Molecular consequence: missense variant.
Genome position (GRCh38, 1-based): chr17:59,685,656, C>G. VCF-style: chr17-59685656-C-G. GRCh37 (hg19) VCF-style: chr17-57763017-C-G.
Other names: c.4687C>G, p.Gln1563Glu (NM_001288653.2); short protein forms Q1559E, Q1563E.
Identifiers: ClinVar variation 4885989 (VCV004885989.2).
Genomic context (GRCh38, chr17:59,685,656, plus strand): 5'-CAGTATGCTTCTGAATCTAAAGATACTGAATTGGCTGAAGAACTCCTGCAGTGGTTTTTG[C>G]AGGAAGAAAAAAGAGAGTGCTTTGGAGCTTGTCTGTTTACCTGTTACGATCTTTTAAGGC-3'
Protein context (NP_004850.1, residues 1549-1569): LAEELLQWFL[Gln1559Glu]EEKRECFGAC